The following is an entry in ClinVar:

NM_020949.3(SLC7A14):c.64A>G (p.Met22Val)

Genes: SLC7A14 (solute carrier family 7 member 14; minus strand), SLC7A14-AS1 (SLC7A14 antisense RNA 1; plus strand). Cytogenetic location: 3q26.2.
Variant type: single nucleotide variant.
Coding change: c.64A>G on transcript NM_020949.3 (MANE Select); coding-DNA position 64, A replaced by G.
Protein change: p.Met22Val; replaces methionine 22 with valine.
Molecular consequence: missense variant.
Genome position (GRCh38, 1-based): chr3:170,526,873, T>C on the plus strand (A>G on the coding strand, the complement: SLC7A14 is on the minus strand). VCF-style: chr3-170526873-T-C. GRCh37 (hg19) VCF-style: chr3-170244662-T-C.
Other names: c.64A>G (NM_020949.2); short protein forms M22V.
Identifiers: ClinVar variation 1931391 (VCV001931391.6), dbSNP rs1254500934, ClinGen allele CA355520301.
Genomic context (GRCh38, chr3:170,526,873, plus strand): 5'-TGGTCCCAGTTCCCTCTAGCATGGACTCCACTGGTTTGGTGCGTAGGATCCTGGAGTGCA[T>C]TGCATACCAGGCAGCTCCCCACTGCACCCGCCGGGGGTCCAGCGAGGTGAAGAAGCCACT-3'
Protein context (NP_066000.2, residues 12-32): RVQWGAAWYA[Met22Val]HSRILRTKPV

ClinVar aggregate classification (germline): Uncertain significance. Review status: criteria provided, multiple submitters, no conflicts (2 of 4 stars). 2 submissions from 2 submitters: Uncertain significance (2). Last evaluated 2025-08-04.

Allele frequency attached by ClinVar (database versions not stated): gnomAD 0.00001; gnomAD exomes 0.00002; TOPMed 0.00002.
gnomAD v4.1: 27 of 1,613,858 alleles (0.0017%); highest among the groups gnomAD compares: East Asian, 0.0022%; no homozygotes.

Submissions (2):

Ambry Genetics
Classification: Uncertain significance. Last evaluated: 2025-08-04. Review status: criteria provided, single submitter. Criteria: Ambry Variant Classification Scheme 2023. Collection method: clinical testing. Allele origin: germline.

Labcorp Genetics (formerly Invitae), Labcorp
Classification: Uncertain significance. Last evaluated: 2023-08-19. Review status: criteria provided, single submitter. Criteria: Invitae Variant Classification Sherloc (09022015). Collection method: clinical testing. Allele origin: germline.
Comment: This sequence change replaces methionine, which is neutral and non-polar, with valine, which is neutral and non-polar, at codon 22 of the SLC7A14 protein (p.Met22Val). This variant is not present in population databases (gnomAD no frequency). This variant has not been reported in the literature in individuals affected with SLC7A14-related conditions. ClinVar contains an entry for this variant (Variation ID: 1931391). Algorithms developed to predict the effect of missense changes on protein structure and function output the following: SIFT: "Not Available"; PolyPhen-2: "Benign"; Align-GVGD: "Not Available". The valine amino acid residue is found in multiple mammalian species, which suggests that this missense change does not adversely affect protein function. In summary, the available evidence is currently insufficient to determine the role of this variant in disease. Therefore, it has been classified as a Variant of Uncertain Significance.